The following is an entry in ClinVar:

ClinVar aggregate classification (germline): Uncertain significance (1 of 4 stars; one submission).

Conditions:
Perlman syndrome (PRLMNS). Identifiers: Orphanet 2849, MedGen C0796113, MONDO:0009965, OMIM 267000.

Submission:

Labcorp Genetics (formerly Invitae), Labcorp
Classification: Uncertain significance for Perlman syndrome. Last evaluated: 2022-08-31. Review status: criteria provided, single submitter. Criteria: Invitae Variant Classification Sherloc (09022015). Collection method: clinical testing. Allele origin: germline.
Comment: This variant has not been reported in the literature in individuals affected with DIS3L2-related conditions. This variant is not present in population databases (gnomAD no frequency). This sequence change replaces arginine, which is basic and polar, with threonine, which is neutral and polar, at codon 7 of the DIS3L2 protein (p.Arg7Thr). Algorithms developed to predict the effect of missense changes on protein structure and function (SIFT, PolyPhen-2, Align-GVGD) all suggest that this variant is likely to be tolerated. In summary, the available evidence is currently insufficient to determine the role of this variant in disease. Therefore, it has been classified as a Variant of Uncertain Significance.

NM_152383.5(DIS3L2):c.20G>C (p.Arg7Thr)

Gene: DIS3L2 (DIS3 like 3'-5' exoribonuclease 2; plus strand). Cytogenetic location: 2q37.1.
Variant type: single nucleotide variant.
Coding change: c.20G>C on transcript NM_152383.5 (MANE Select); coding-DNA position 20, G replaced by C.
Protein change: p.Arg7Thr; replaces arginine 7 with threonine.
Molecular consequence: missense variant. On other transcripts: non-coding transcript variant (2).
Genome position (GRCh38, 1-based): chr2:232,014,947, G>C. VCF-style: chr2-232014947-G-C. GRCh37 (hg19) VCF-style: chr2-232879657-G-C.
Other names: c.20G>C, p.Arg7Thr (NM_001257281.2, NM_001257282.2); short protein forms R7T.
Identifiers: ClinVar variation 2158114 (VCV002158114.4), dbSNP rs2469593949, ClinGen allele CA351151060.
Genomic context (GRCh38, chr2:232,014,947, plus strand): 5'-TTTCTCTGGATCTGGAGAGAAGAGTGACCTTGGAGCCAATAATGAGCCATCCTGACTACA[G>C]AATGAACCTCCGGCCCCTGGGGACCCCCAGAGGTAGTAAAAGGAAAATGGAGTCTGCCTG-3'
Protein context (NP_689596.4, residues 1-17): MSHPDY[Arg7Thr]MNLRPLGTPR